The following is an entry in ClinVar:

NM_015450.3(POT1):c.482A>G (p.Tyr161Cys)

Gene: POT1 (protection of telomeres 1; minus strand). Cytogenetic location: 7q31.33.
Variant type: single nucleotide variant.
Coding change: c.482A>G on transcript NM_015450.3 (MANE Select); coding-DNA position 482, A replaced by G.
Protein change: p.Tyr161Cys; replaces tyrosine 161 with cysteine.
Molecular consequence: missense variant. On other transcripts: non-coding transcript variant (3).
Genome position (GRCh38, 1-based): chr7:124,863,414, T>C on the plus strand (A>G on the coding strand, the complement: POT1 is on the minus strand). VCF-style: chr7-124863414-T-C. GRCh37 (hg19) VCF-style: chr7-124503468-T-C.
Other names: c.89A>G, p.Tyr30Cys (NM_001042594.2); short protein forms Y161C, Y30C.
Identifiers: ClinVar variation 4826613 (VCV004826613.1).

ClinVar aggregate classification (germline): Uncertain significance (1 of 4 stars; one submission).

Conditions:
Hereditary cancer-predisposing syndrome. Also called: Neoplastic Syndromes, Hereditary; Tumor predisposition; Hereditary Cancer Syndrome; Hereditary neoplastic syndrome. Identifiers: Orphanet 140162, MedGen C0027672, MeSH D009386, MONDO:0015356.

Submission:

Ambry Genetics
Classification: Uncertain significance for Hereditary cancer-predisposing syndrome. Last evaluated: 2026-03-07. Review status: criteria provided, single submitter. Criteria: Ambry Variant Classification Scheme 2023. Collection method: clinical testing. Allele origin: germline.
Comment: The p.Y161C variant (also known as c.482A>G), located in coding exon 4 of the POT1 gene, results from an A to G substitution at nucleotide position 482. The tyrosine at codon 161 is replaced by cysteine, an amino acid with highly dissimilar properties. This amino acid position is conserved. In addition, the in silico prediction for this alteration is inconclusive. Based on the available evidence, the clinical significance of this variant remains unclear.